The following is an entry in ClinVar:

NM_053025.4(MYLK):c.2462G>A (p.Arg821Gln)

Gene: MYLK (myosin light chain kinase; minus strand). Cytogenetic location: 3q21.1.
Variant type: single nucleotide variant.
Coding change: c.2462G>A on transcript NM_053025.4 (MANE Select); coding-DNA position 2462, G replaced by A.
Protein change: p.Arg821Gln; replaces arginine 821 with glutamine.
Molecular consequence: missense variant.
Genome position (GRCh38, 1-based): chr3:123,701,438, C>T on the plus strand (G>A on the coding strand, the complement: MYLK is on the minus strand). VCF-style: chr3-123701438-C-T. GRCh37 (hg19) VCF-style: chr3-123420285-C-T.
Other names: c.1934G>A, p.Arg645Gln (NM_001321309.2); c.2255G>A, p.Arg752Gln (NM_053026.4, NM_053028.4); c.2462G>A, p.Arg821Gln (NM_053027.4); short protein forms R752Q, R821Q, R645Q.
Identifiers: ClinVar variation 966956 (VCV000966956.10), dbSNP rs745500351, ClinGen allele CA068619.
Genomic context (GRCh38, chr3:123,701,438, plus strand): 5'-GCCAGGAGGAAGGTGGGGATGGGGGCATGGCCTGGAGGGGCAGCTCCTGGGGGCACTCAC[C>T]GTGGAAGGGCTCTGGCAGAGCTGTTCTGTAGCATCAGTGACACCTGGCAACTGCATTCGC-3'
Protein context (NP_444253.3, residues 811-831): LQNSSARALP[Arg821Gln]GREPASCEDL

ClinVar aggregate classification (germline): Uncertain significance. Review status: criteria provided, multiple submitters, no conflicts (2 of 4 stars). 3 submissions from 3 submitters: Uncertain significance (3). Last evaluated 2025-06-17.

Conditions:
Aortic aneurysm, familial thoracic 7 (AAT7). Also called: AORTIC DISSECTION, FAMILIAL, WITH OR WITHOUT AORTIC ANEURYSM. Identifiers: MedGen C3151077, MONDO:0013418, OMIM 613780.
Familial thoracic aortic aneurysm and aortic dissection (TAAD). Also called: Thoracic aortic aneurysms and dissections. Identifiers: Orphanet 91387, MedGen C4707243, MONDO:0019625.

Allele frequency attached by ClinVar (database versions not stated): ExAC 0.00001; gnomAD 0.00001; TOPMed 0.00001; gnomAD exomes 0.00003.
gnomAD v4.1: 51 of 1,613,894 alleles (0.0032%); highest among the groups gnomAD compares: Non-Finnish European, 0.0026%; no homozygotes.

Submissions (3):

Ambry Genetics
Classification: Uncertain significance for Familial thoracic aortic aneurysm and aortic dissection. Last evaluated: 2025-06-17. Review status: criteria provided, single submitter. Criteria: Ambry Variant Classification Scheme 2023. Collection method: clinical testing. Allele origin: germline.
Comment: The p.R821Q variant (also known as c.2462G>A), located in coding exon 14 of the MYLK gene, results from a G to A substitution at nucleotide position 2462. The arginine at codon 821 is replaced by glutamine, an amino acid with highly similar properties. However, this change occurs in the last base pair of coding exon 14, and may have some effect on normal mRNA splicing. This variant does not impact the short isoform product of this gene, which has been determined to be the isoform expressed in the aorta; furthermore, loss of function of the long isoform has not been clearly established as a mechanism of disease (Herring BP et al. Am J Physiol Cell Physiol 2000 Nov;279(5):C1656-64). This nucleotide position is highly conserved in available vertebrate species. In silico splice site analysis predicts that this alteration may weaken the native splice donor site. This amino acid position is not well conserved in available vertebrate species. In addition, as a missense substitution this is predicted to be tolerated by in silico analysis. Since supporting evidence is limited at this time, the clinical significance of this alteration remains unclear.

GeneDx
Classification: Uncertain significance. Last evaluated: 2025-06-17. Review status: criteria provided, single submitter. Criteria: GeneDx Variant Classification Process June 2021. Collection method: clinical testing. Allele origin: germline. Affected: yes.
Comment: In silico analysis supports that this missense variant does not alter protein structure/function; In silico analysis is inconclusive as to whether the variant alters gene splicing. In the absence of RNA/functional studies, the actual effect of this sequence change is unknown.; Has not been previously published as pathogenic or benign to our knowledge

Labcorp Genetics (formerly Invitae), Labcorp
Classification: Uncertain significance for Aortic aneurysm, familial thoracic 7. Last evaluated: 2024-10-08. Review status: criteria provided, single submitter. Criteria: Invitae Variant Classification Sherloc (09022015). Collection method: clinical testing. Allele origin: germline.
Comment: This sequence change replaces arginine, which is basic and polar, with glutamine, which is neutral and polar, at codon 821 of the MYLK protein (p.Arg821Gln). This variant also falls at the last nucleotide of exon 17, which is part of the consensus splice site for this exon. This variant is present in population databases (rs745500351, gnomAD 0.04%). This variant has not been reported in the literature in individuals affected with MYLK-related conditions. ClinVar contains an entry for this variant (Variation ID: 966956). An algorithm developed to predict the effect of missense changes on protein structure and function (PolyPhen-2) suggests that this variant¬†is likely to be tolerated. Variants that disrupt the consensus splice site are a relatively common cause of aberrant splicing (PMID: 17576681, 9536098). Algorithms developed to predict the effect of sequence changes on RNA splicing suggest that this variant may disrupt the consensus splice site. In summary, the available evidence is currently insufficient to determine the role of this variant in disease. Therefore, it has been classified as a Variant of Uncertain Significance.

Literature cited by the submitters: PubMed 17576681 (cited by Labcorp Genetics (formerly Invitae), Labcorp); PubMed 9536098 (cited by Labcorp Genetics (formerly Invitae), Labcorp).